The following is an entry in ClinVar:

NM_014871.6(PAN2):c.1264C>T (p.Arg422Ter)

Gene: PAN2 (poly(A) specific ribonuclease subunit PAN2; minus strand). Cytogenetic location: 12q13.3.
Variant type: single nucleotide variant.
Coding change: c.1264C>T on transcript NM_014871.6 (MANE Select); coding-DNA position 1264, C replaced by T.
Protein change: p.Arg422Ter; replaces arginine 422 with a stop codon.
Molecular consequence: nonsense.
Genome position (GRCh38, 1-based): chr12:56,326,408, G>A on the plus strand (C>T on the coding strand, the complement: PAN2 is on the minus strand). VCF-style: chr12-56326408-G-A. GRCh37 (hg19) VCF-style: chr12-56720192-G-A.
Other names: c.1264C>T, p.Arg422Ter (NM_001127460.4, NM_001166279.3, NM_001394699.1 and 8 more transcripts); c.847C>T, p.Arg283Ter (NM_001394708.1); short protein forms R283*, R422*.
Identifiers: ClinVar variation 5042564 (VCV005042564.1).

ClinVar aggregate classification (germline): Likely pathogenic (1 of 4 stars; one submission).

Conditions:
Developmental delay with variable cardiac and renal congenital anomalies and dysmorphic facies. Identifiers: MedGen C6065921, MONDO:0980727, OMIM 621384.

Submission:

UAEU Genomics Laboratory, United Arab Emirates University
Classification: Likely pathogenic for Developmental delay with variable cardiac and renal congenital anomalies and dysmorphic facies. Last evaluated: 2023-08-31. Review status: criteria provided, single submitter. Criteria: ACMG Guidelines, 2015. Collection method: research. Allele origin: germline. Affected: yes. Observed: 1 variant allele.
Comment: PM2, PVS1